The following is an entry in ClinVar:

NM_000090.4(COL3A1):c.282+1G>C

Gene: COL3A1 (collagen type III alpha 1 chain; plus strand). Cytogenetic location: 2q32.2.
Variant type: single nucleotide variant.
Coding change: c.282+1G>C on transcript NM_000090.4 (MANE Select); the canonical splice donor site of the intron after coding-DNA position 282, G replaced by C.
Molecular consequence: splice donor variant.
Genome position (GRCh38, 1-based): chr2:188,984,963, G>C. VCF-style: chr2-188984963-G-C. GRCh37 (hg19) VCF-style: chr2-189849689-G-C.
Identifiers: ClinVar variation 430560 (VCV000430560.2), dbSNP rs1131692024, ClinGen allele CA349847467.

ClinVar aggregate classification (germline): Likely pathogenic (1 of 4 stars; one submission).

Submission:

GeneDx
Classification: Likely pathogenic. Last evaluated: 2016-09-13. Review status: criteria provided, single submitter. Criteria: GeneDx Variant Classification (06012015). Collection method: clinical testing. Allele origin: germline. Affected: yes.
Comment: Although the c.282+1G>C likely pathogenic variant in the COL3A1 gene has not been reported as a pathogenic or benign variant to our knowledge, it destroys the canonical splice donor site in intron 2 and is predicted to cause skipping of exon 2. Many other splice site variants in the COL3A1 gene have been reported in HGMD in association with EDS type IV (Stenson et al., 2014). Furthermore, the c.282+1G>C variant was not observed in approximately 6.500 individuals of European and African American ancestry in the NHLBI Exome Sequencing Project, indicating it is not a common benign variant in these populations.Therefore, this variant is a strong candidate to be pathogenic